The following is an entry in ClinVar:

ClinVar aggregate classification (germline): Benign/Likely benign. Review status: criteria provided, multiple submitters, no conflicts (2 of 4 stars). 3 submissions from 3 submitters: Benign (2); Likely benign (1). Last evaluated 2024-06-01.

Allele frequency attached by ClinVar (database versions not stated): TOPMed 0.00001; gnomAD 0.00003; gnomAD exomes 0.00109; ExAC 0.00113; 1000 Genomes Project 30x 0.00219; 1000 Genomes Project 0.00240.
gnomAD v4.1: 834 of 1,614,080 alleles (0.052%); highest among the groups gnomAD compares: South Asian, 0.85%; 8 homozygotes.

Submissions (3):

CeGaT Center for Human Genetics Tuebingen
Classification: Benign. Last evaluated: 2024-06-01. Review status: criteria provided, single submitter. Criteria: CeGaT Center For Human Genetics Tuebingen Variant Classification Criteria Version 2. Collection method: clinical testing. Allele origin: germline. Affected: yes. Observed: 1 variant allele.
Comment: CIC: BS1, BS2

Blueprint Genetics
Classification: Likely benign. Last evaluated: 2024-05-10. Review status: criteria provided, single submitter. Criteria: ACMG Guidelines, 2015. Collection method: clinical testing. Allele origin: germline.

Labcorp Genetics (formerly Invitae), Labcorp
Classification: Benign. Last evaluated: 2018-04-16. Review status: criteria provided, single submitter. Criteria: Invitae Variant Classification Sherloc (09022015). Collection method: clinical testing. Allele origin: germline.

NM_001386298.1(CIC):c.3213G>T (p.Leu1071Phe)

Gene: CIC (capicua transcriptional repressor; plus strand). Cytogenetic location: 19q13.2.
Variant type: single nucleotide variant.
Coding change: c.3213G>T on transcript NM_001386298.1 (MANE Select); coding-DNA position 3213, G replaced by T.
Protein change: p.Leu1071Phe; replaces leucine 1071 with phenylalanine.
Molecular consequence: missense variant.
Genome position (GRCh38, 1-based): chr19:42,287,353, G>T. VCF-style: chr19-42287353-G-T. GRCh37 (hg19) VCF-style: chr19-42791505-G-T.
Other names: c.3213G>T, p.Leu1071Phe (NM_001304815.2, NM_001379480.1, NM_001379482.1); c.486G>T, p.Leu162Phe (NM_001379484.1, NM_001379485.1, NM_015125.5); short protein forms L1071F, L162F.
Identifiers: ClinVar variation 736418 (VCV000736418.22), dbSNP rs200317945, ClinGen allele CA9471732.